The following is an entry in ClinVar:

NM_014141.6(CNTNAP2):c.2110T>G (p.Tyr704Asp)

Gene: CNTNAP2 (contactin associated protein 2; plus strand). Cytogenetic location: 7q35.
Variant type: single nucleotide variant.
Coding change: c.2110T>G on transcript NM_014141.6 (MANE Select); coding-DNA position 2110, T replaced by G.
Protein change: p.Tyr704Asp; replaces tyrosine 704 with aspartic acid.
Molecular consequence: missense variant.
Genome position (GRCh38, 1-based): chr7:147,903,576, T>G. VCF-style: chr7-147903576-T-G. GRCh37 (hg19) VCF-style: chr7-147600668-T-G.
Other names: short protein forms Y704D.
Identifiers: ClinVar variation 420628 (VCV000420628.2), dbSNP rs1064794597, ClinGen allele CA16618383.

ClinVar aggregate classification (germline): Uncertain significance (1 of 4 stars; one submission).

Submission:

GeneDx
Classification: Uncertain significance. Last evaluated: 2018-06-20. Review status: criteria provided, single submitter. Criteria: GeneDx Variant Classification (06012015). Collection method: clinical testing. Allele origin: germline. Affected: yes.
Comment: The Y704D variant in the CNTNAP2 gene has not been reported previously as a pathogenic variant, nor as a benign variant, to our knowledge. The Y704D variant was not observed in approximately 6500 individuals of European and African American ancestry in the NHLBI Exome Sequencing Project, indicating it is not a common benign variant in these populations. The Y704D variant is a non-conservative amino acid substitution, which is likely to impact secondary protein structure as these residues differ in polarity, charge, size and/or other properties. This substitution occurs at a position that is conserved in mammals. In silico analysis is inconsistent in its predictions as to whether or not the variant is damaging to the protein structure/function. We interpret Y704D as a variant of uncertain significance.